The following is an entry in ClinVar:

ClinVar aggregate classification (germline): Uncertain significance (1 of 4 stars; one submission).

Conditions:
Neurofibromatosis, type 1 (NF1). Also called: Neurofibromatosis, type I; NEUROFIBROMATOSIS, TYPE I, SOMATIC; Peripheral type neurofibromatosis; VON RECKLINGHAUSEN DISEASE. Identifiers: Orphanet 636, MedGen C0027831, MONDO:0018975, OMIM 162200. Disease mechanism: loss of function.

Submission:

Labcorp Genetics (formerly Invitae), Labcorp
Classification: Uncertain significance for Neurofibromatosis, type 1. Last evaluated: 2024-04-05. Review status: criteria provided, single submitter. Criteria: Invitae Variant Classification Sherloc (09022015). Collection method: clinical testing. Allele origin: germline.
Comment: This sequence change replaces alanine, which is neutral and non-polar, with proline, which is neutral and non-polar, at codon 1580 of the NF1 protein (p.Ala1580Pro). This variant is not present in population databases (gnomAD no frequency). This variant has not been reported in the literature in individuals affected with NF1-related conditions. Advanced modeling of protein sequence and biophysical properties (such as structural, functional, and spatial information, amino acid conservation, physicochemical variation, residue mobility, and thermodynamic stability) has been performed at Invitae for this missense variant, however the output from this modeling did not meet the statistical confidence thresholds required to predict the impact of this variant on NF1 protein function. In summary, the available evidence is currently insufficient to determine the role of this variant in disease. Therefore, it has been classified as a Variant of Uncertain Significance.

NM_001042492.3(NF1):c.4801G>C (p.Ala1601Pro)

Gene: NF1 (neurofibromin 1; plus strand). Cytogenetic location: 17q11.2.
Variant type: single nucleotide variant.
Coding change: c.4801G>C on transcript NM_001042492.3 (MANE Select); coding-DNA position 4801, G replaced by C.
Protein change: p.Ala1601Pro; replaces alanine 1601 with proline.
Molecular consequence: missense variant.
Genome position (GRCh38, 1-based): chr17:31,265,305, G>C. VCF-style: chr17-31265305-G-C. GRCh37 (hg19) VCF-style: chr17-29592323-G-C.
Other names: c.4738G>C, p.Ala1580Pro (NM_000267.4); short protein forms A1580P, A1601P.
Identifiers: ClinVar variation 2718971 (VCV002718971.3), dbSNP rs754651519, ClinGen allele CA399001320.